The following is an entry in ClinVar:

ClinVar aggregate classification (germline): Uncertain significance (1 of 4 stars; one submission).

Submission:

Labcorp Genetics (formerly Invitae), Labcorp
Classification: Uncertain significance. Last evaluated: 2024-02-24. Review status: criteria provided, single submitter. Criteria: Invitae Variant Classification Sherloc (09022015). Collection method: clinical testing. Allele origin: germline.
Comment: This sequence change replaces lysine, which is basic and polar, with glutamine, which is neutral and polar, at codon 299 of the CLUAP1 protein (p.Lys299Gln). This variant is present in population databases (rs766912393, gnomAD 0.0009%). This variant has not been reported in the literature in individuals affected with CLUAP1-related conditions. Advanced modeling of protein sequence and biophysical properties (such as structural, functional, and spatial information, amino acid conservation, physicochemical variation, residue mobility, and thermodynamic stability) performed at Invitae indicates that this missense variant is not expected to disrupt CLUAP1 protein function with a negative predictive value of 80%. In summary, the available evidence is currently insufficient to determine the role of this variant in disease. Therefore, it has been classified as a Variant of Uncertain Significance.

NM_015041.3(CLUAP1):c.895A>C (p.Lys299Gln)

Gene: CLUAP1 (clusterin associated protein 1; plus strand). Cytogenetic location: 16p13.3.
Variant type: single nucleotide variant.
Coding change: c.895A>C on transcript NM_015041.3 (MANE Select); coding-DNA position 895, A replaced by C.
Protein change: p.Lys299Gln; replaces lysine 299 with glutamine.
Molecular consequence: missense variant.
Genome position (GRCh38, 1-based): chr16:3,526,451, A>C. VCF-style: chr16-3526451-A-C. GRCh37 (hg19) VCF-style: chr16-3576451-A-C.
Other names: c.895A>C, p.Lys299Gln (NM_001330454.2); c.397A>C, p.Lys133Gln (NM_024793.3); short protein forms K133Q, K299Q.
Identifiers: ClinVar variation 3606420 (VCV003606420.2).